The following is an entry in ClinVar:

ClinVar aggregate classification (germline): Uncertain significance. Review status: criteria provided, multiple submitters, no conflicts (2 of 4 stars). 2 submissions from 2 submitters: Uncertain significance (2). Last evaluated 2024-04-18.

Conditions:
Colorectal cancer. Also called: Malignant Colorectal Neoplasm; Colorectal cancer, somatic. Identifiers: MedGen C0346629, MONDO:0005575, OMIM 114500.

Allele frequency attached by ClinVar (database versions not stated): TOPMed 0.00014; ESP Exome Variant Server 0.00015; gnomAD 0.00017.
gnomAD v4.1: 120 of 1,613,920 alleles (0.0074%); highest among the groups gnomAD compares: Admixed American, 0.045%; no homozygotes.

Submissions (2):

Fulgent Genetics
Classification: Uncertain significance for Colorectal cancer. Last evaluated: 2024-04-18. Review status: criteria provided, single submitter. Criteria: ACMG Guidelines, 2015. Collection method: clinical testing. Allele origin: germline.

Labcorp Genetics (formerly Invitae), Labcorp
Classification: Uncertain significance. Last evaluated: 2022-08-08. Review status: criteria provided, single submitter. Criteria: Invitae Variant Classification Sherloc (09022015). Collection method: clinical testing. Allele origin: germline.
Comment: This sequence change replaces serine, which is neutral and polar, with cysteine, which is neutral and slightly polar, at codon 717 of the DLC1 protein (p.Ser717Cys). This variant is present in population databases (rs199759496, gnomAD 0.02%). In summary, the available evidence is currently insufficient to determine the role of this variant in disease. Therefore, it has been classified as a Variant of Uncertain Significance. Algorithms developed to predict the effect of missense changes on protein structure and function are either unavailable or do not agree on the potential impact of this missense change (SIFT: "Deleterious"; PolyPhen-2: "Probably Damaging"; Align-GVGD: "Class C15"). This variant has not been reported in the literature in individuals affected with DLC1-related conditions.

NM_182643.3(DLC1):c.2150C>G (p.Ser717Cys)

Gene: DLC1 (DLC1 Rho GTPase activating protein; minus strand). Cytogenetic location: 8p22.
Variant type: single nucleotide variant.
Coding change: c.2150C>G on transcript NM_182643.3 (MANE Select); coding-DNA position 2150, C replaced by G.
Protein change: p.Ser717Cys; replaces serine 717 with cysteine.
Molecular consequence: missense variant.
Genome position (GRCh38, 1-based): chr8:13,100,187, G>C on the plus strand (C>G on the coding strand, the complement: DLC1 is on the minus strand). VCF-style: chr8-13100187-G-C. GRCh37 (hg19) VCF-style: chr8-12957696-G-C.
Other names: c.617C>G, p.Ser206Cys (NM_001413128.1, NM_001413133.1, NM_001413138.1 and 6 more transcripts); c.941C>G, p.Ser314Cys (NM_001413129.1, NM_001316668.2); c.932C>G, p.Ser311Cys (NM_001413130.1); c.590C>G, p.Ser197Cys (NM_001413131.1, NM_001413137.1); c.1076C>G, p.Ser359Cys (NM_001413132.1); c.839C>G, p.Ser280Cys (NM_001413135.1, NM_001413136.1, NM_001413139.1 and 1 more transcripts); c.2150C>G, p.Ser717Cys (NM_001348081.2, NM_001413124.1); c.974C>G, p.Ser325Cys (NM_001413140.1); short protein forms S197C, S206C, S280C, S314C, S359C, S325C, S311C, S717C.
Identifiers: ClinVar variation 2182305 (VCV002182305.5), dbSNP rs199759496, ClinGen allele CA4638702.
Genomic context (GRCh38, chr8:13,100,187, plus strand): 5'-GAGTTGGAAACGCTCCTCTTTCGTACCATGGGGACGTTGATGCGGTTGCCATTGAGGGCG[G>C]AGATCTCCACGCAGTTGAGCTGCTTCAGCTTCTCCTCATCCATCCCCTCTTGCAAGATGG-3'
Protein context (NP_872584.2, residues 707-727): KLKQLNCVEI[Ser717Cys]ALNGNRINVP